The following is an entry in ClinVar:

ClinVar aggregate classification (germline): Likely benign (1 of 4 stars; one submission).

gnomAD v4.1: 266 of 398,626 alleles (0.067%); highest among the groups gnomAD compares: East Asian, 0.88%; 1 homozygote.

Submission:

CeGaT Center for Human Genetics Tuebingen
Classification: Likely benign. Last evaluated: 2024-09-01. Review status: criteria provided, single submitter. Criteria: CeGaT Center For Human Genetics Tuebingen Variant Classification Criteria Version 2. Collection method: clinical testing. Allele origin: germline. Affected: yes. Observed: 1 variant allele.
Comment: KCNQ1OT1: BS1

NM_000218.3(KCNQ1):c.1514+24383A>G

Genes: KCNQ1 (potassium voltage-gated channel subfamily Q member 1; plus strand), KCNQ1OT1 (KCNQ1 opposite strand/antisense transcript 1; minus strand). Cytogenetic location: 11p15.5.
Variant type: single nucleotide variant.
Coding change: c.1514+24383A>G on transcript NM_000218.3 (MANE Select); 24383 bases into the intron after coding-DNA position 1514, A replaced by G.
Molecular consequence: intron variant. On other transcripts: non-coding transcript variant (1).
Genome position (GRCh38, 1-based): chr11:2,686,464, A>G. VCF-style: chr11-2686464-A-G. GRCh37 (hg19) VCF-style: chr11-2707694-A-G.
Other names: c.1244+24383A>G (NM_001406837.1); c.1418+24383A>G (NM_001406836.1); c.974+24383A>G (NM_001406838.1); c.1133+24383A>G (NM_181798.2).
Identifiers: ClinVar variation 3389346 (VCV003389346.14).
Genomic context (GRCh38, chr11:2,686,464, plus strand): 5'-GATATTGTGGATACCTATGCCCAGAGCCCCTCCACTGCCAAGTTTCCACAATTGTTTTGA[A>G]ATAATTCCCAACAGATACCCCCACCCTCACCCAGTGTTGAGTCTCACTCCCGTCACGGAA-3'